The following is an entry in ClinVar:

ClinVar aggregate classification (germline): Conflicting classifications of pathogenicity. Review status: criteria provided, conflicting classifications (1 of 4 stars). 4 submissions from 4 submitters: Uncertain significance (1); Likely benign (3). Last evaluated 2025-11-06.

Conditions:
Pierpont syndrome (PRPTS). Identifiers: Orphanet 487825, MedGen C1865644, MONDO:0011213, OMIM 602342.

Allele frequency attached by ClinVar (database versions not stated): ExAC 0.00001; gnomAD exomes 0.00002 and 0.00007; TOPMed 0.00002; gnomAD 0.00004.
gnomAD v4.1: 103 of 1,574,374 alleles (0.0065%); highest among the groups gnomAD compares: Non-Finnish European, 0.0085%; no homozygotes.

Submissions (4):

Women's Health and Genetics/Laboratory Corporation of America, LabCorp
Classification: Likely benign. Last evaluated: 2025-11-06. Review status: criteria provided, single submitter. Criteria: LabCorp Variant Classification Summary - May 2015. Collection method: clinical testing. Allele origin: germline.
Comment: Variant summary: TBL1XR1 c.427+6C>T alters a conserved nucleotide located close to a canonical splice site and therefore could affect mRNA splicing, leading to a significantly altered protein sequence. Consensus agreement among computation tools predicts no significant impact on normal splicing. However, these predictions have yet to be confirmed by functional studies. The variant allele was found at a frequency of 6.6e-05 in 1568374 control chromosomes (i.e. in 103 carriers) in the gnomAD database (v4.1 dataset). The occurrence in several carriers suggests that this variant is likely not associated with a high penetrance, severe, early onset disease phenotype in heterozygous state. To our knowledge, no occurrence of c.427+6C>T in individuals affected with TBL1XR1-related conditions and no experimental evidence demonstrating its impact on protein function have been reported. ClinVar contains an entry for this variant (Variation ID: 1056228). Based on the evidence outlined above, the variant was classified as likely benign.

CeGaT Center for Human Genetics Tuebingen
Classification: Likely benign. Last evaluated: 2025-11-01. Review status: criteria provided, single submitter. Criteria: CeGaT Center For Human Genetics Tuebingen Variant Classification Criteria Version 2. Collection method: clinical testing. Allele origin: germline. Affected: yes. Observed: 1 variant allele.
Comment: TBL1XR1: BP4

Labcorp Genetics (formerly Invitae), Labcorp
Classification: Uncertain significance for Pierpont syndrome. Last evaluated: 2024-10-16. Review status: criteria provided, single submitter. Criteria: Invitae Variant Classification Sherloc (09022015). Collection method: clinical testing. Allele origin: germline.
Comment: This sequence change falls in intron 5 of the TBL1XR1 gene. It does not directly change the encoded amino acid sequence of the TBL1XR1 protein. It affects a nucleotide within the consensus splice site. This variant is present in population databases (rs574703637, gnomAD 0.005%). This variant has not been reported in the literature in individuals affected with TBL1XR1-related conditions. ClinVar contains an entry for this variant (Variation ID: 1056228). Variants that disrupt the consensus splice site are a relatively common cause of aberrant splicing (PMID: 17576681, 9536098). Algorithms developed to predict the effect of sequence changes on RNA splicing suggest that this variant is not likely to affect RNA splicing. In summary, the available evidence is currently insufficient to determine the role of this variant in disease. Therefore, it has been classified as a Variant of Uncertain Significance.

Blueprint Genetics
Classification: Likely benign. Last evaluated: 2023-02-24. Review status: criteria provided, single submitter. Criteria: ACMG Guidelines, 2015. Collection method: clinical testing. Allele origin: germline.

Literature cited by the submitters: PubMed 17576681 (cited by Labcorp Genetics (formerly Invitae), Labcorp); PubMed 9536098 (cited by Labcorp Genetics (formerly Invitae), Labcorp).

NM_024665.7(TBL1XR1):c.427+6C>T

Gene: TBL1XR1 (TBL1X/Y related 1; minus strand). Cytogenetic location: 3q26.32.
Variant type: single nucleotide variant.
Coding change: c.427+6C>T on transcript NM_024665.7 (MANE Select); 6 bases into the intron after coding-DNA position 427, C replaced by T.
Molecular consequence: intron variant.
Genome position (GRCh38, 1-based): chr3:177,051,498, G>A on the plus strand (C>T on the coding strand, the complement: TBL1XR1 is on the minus strand). VCF-style: chr3-177051498-G-A. GRCh37 (hg19) VCF-style: chr3-176769286-G-A.
Other names: c.427+6C>T (NM_001374327.1, NM_001321194.3, NM_001321193.3 and 2 more transcripts); c.166+6C>T (NM_001374330.1, NM_001321195.3).
Identifiers: ClinVar variation 1056228 (VCV001056228.16), dbSNP rs574703637, ClinGen allele CA2709989.